The following is an entry in ClinVar:

NM_002691.4(POLD1):c.202+2T>G

Gene: POLD1 (DNA polymerase delta 1, catalytic subunit; plus strand). Cytogenetic location: 19q13.33.
Variant type: single nucleotide variant.
Coding change: c.202+2T>G on transcript NM_002691.4 (MANE Select); the canonical splice donor site of the intron after coding-DNA position 202, T replaced by G.
Molecular consequence: splice donor variant.
Genome position (GRCh38, 1-based): chr19:50,399,055, T>G. VCF-style: chr19-50399055-T-G. GRCh37 (hg19) VCF-style: chr19-50902312-T-G.
Other names: c.202+2T>G (NM_001256849.1, NM_001438212.1, NM_001438213.1 and 3 more transcripts).
Identifiers: ClinVar variation 4844404 (VCV004844404.1).

ClinVar aggregate classification (germline): Uncertain significance (1 of 4 stars; one submission).

Conditions:
Hereditary cancer-predisposing syndrome. Also called: Neoplastic Syndromes, Hereditary; Tumor predisposition; Hereditary Cancer Syndrome; Hereditary neoplastic syndrome. Identifiers: Orphanet 140162, MedGen C0027672, MeSH D009386, MONDO:0015356.

Submission:

Ambry Genetics
Classification: Uncertain significance for Hereditary cancer-predisposing syndrome. Last evaluated: 2026-03-02. Review status: criteria provided, single submitter. Criteria: Ambry Variant Classification Scheme 2023. Collection method: clinical testing. Allele origin: germline.
Comment: The c.202+2T>G intronic variant results from a T to G substitution two nucleotides after coding exon 1 in the POLD1 gene. This nucleotide position is highly conserved in available vertebrate species. In silico splice site analysis predicts that this alteration will weaken the native splice donor site. Based on the available evidence, the clinical significance of this variant remains unclear.